The following is an entry in ClinVar:

ClinVar aggregate classification (germline): Conflicting classifications of pathogenicity. Review status: criteria provided, conflicting classifications (1 of 4 stars). 4 submissions from 4 submitters: Uncertain significance (1); Benign (2); Likely benign (1). Last evaluated 2026-03-01.

Conditions:
Laron-type isolated somatotropin defect. Also called: Laron Syndrome; Growth hormone binding protein deficiency or dysfunction; Growth hormone receptor deficiency or dysfunction; Laron dwarfism; Laron type pituitary dwarfism I; GROWTH HORMONE RECEPTOR DEFICIENCY. Identifiers: Orphanet 633, MedGen C0271568, MONDO:0009877, OMIM 262500.

Allele frequency attached by ClinVar (database versions not stated): 1000 Genomes Project 30x 0.00078; 1000 Genomes Project 0.00080; gnomAD exomes 0.00169 and 0.00196; ESP Exome Variant Server 0.00170; ExAC 0.00181; gnomAD 0.00213 and 0.00222.
gnomAD v4.1: 2,414 of 1,417,318 alleles (0.17%); highest among the groups gnomAD compares: Non-Finnish European, 0.15%; 470 homozygotes.

Submissions (4):

CeGaT Center for Human Genetics Tuebingen
Classification: Likely benign. Last evaluated: 2026-03-01. Review status: criteria provided, single submitter. Criteria: CeGaT Center For Human Genetics Tuebingen Variant Classification Criteria Version 2. Collection method: clinical testing. Allele origin: germline. Affected: yes. Observed: 4 variant alleles.
Comment: GHR: BP4, BP7, BS2

Labcorp Genetics (formerly Invitae), Labcorp
Classification: Benign. Last evaluated: 2025-11-17. Review status: criteria provided, single submitter. Criteria: Invitae Variant Classification Sherloc (09022015). Collection method: clinical testing. Allele origin: germline.

Illumina Laboratory Services, Illumina
Classification: Uncertain significance for Laron-type isolated somatotropin defect. Last evaluated: 2018-01-15. Review status: criteria provided, single submitter. Criteria: ICSL Variant Classification Criteria 13 December 2019. Collection method: clinical testing. Allele origin: germline.

Eurofins Ntd Llc (ga)
Classification: Benign. Last evaluated: 2017-09-25. Review status: criteria provided, single submitter. Criteria: EGL Classification Definitions 2015. Collection method: clinical testing. Allele origin: germline. Observed: 1 variant allele, 1 heterozygote.

NM_000163.5(GHR):c.99C>G (p.Pro33=)

Gene: GHR (growth hormone receptor; plus strand). Cytogenetic location: 5p12.
Variant type: single nucleotide variant.
Coding change: c.99C>G on transcript NM_000163.5 (MANE Select); coding-DNA position 99, C replaced by G.
Protein change: p.Pro33=; no amino-acid change (proline 33 retained).
Molecular consequence: synonymous variant. On other transcripts: intron variant (1).
Genome position (GRCh38, 1-based): chr5:42,629,066, C>G. VCF-style: chr5-42629066-C-G. GRCh37 (hg19) VCF-style: chr5-42629168-C-G.
Other names: c.120C>G, p.Pro40= (NM_001242399.2); c.99C>G, p.Pro33= (NM_001242400.2, NM_001242401.4, NM_001242402.2 and 5 more transcripts); c.71-59824C>G (NM_001242460.2).
Identifiers: ClinVar variation 594102 (VCV000594102.42), dbSNP rs76183160, ClinGen allele CA3254311.